The following is an entry in ClinVar:

ClinVar aggregate classification (germline): Uncertain significance. Review status: criteria provided, multiple submitters, no conflicts (2 of 4 stars). 2 submissions from 2 submitters: Uncertain significance (2). Last evaluated 2022-03-02.

Conditions:
Hereditary cancer-predisposing syndrome. Also called: Hereditary neoplastic syndrome; Neoplastic Syndromes, Hereditary; Tumor predisposition; Hereditary Cancer Syndrome. Identifiers: Orphanet 140162, MedGen C0027672, MeSH D009386, MONDO:0015356.
Gorlin syndrome. Also called: Nevoid Basal Cell Carcinoma Syndrome; Basal cell nevus syndrome. Identifiers: Orphanet 377, MedGen C0004779, MONDO:0007187.

Allele frequency attached by ClinVar (database versions not stated): gnomAD exomes below 0.00001; TOPMed 0.00001.
gnomAD v4.1: 1 of 1,614,166 alleles (0.000062%); no homozygotes.

Submissions (2):

Ambry Genetics
Classification: Uncertain significance for Hereditary cancer-predisposing syndrome. Last evaluated: 2022-03-02. Review status: criteria provided, single submitter. Criteria: Ambry Variant Classification Scheme 2023. Collection method: clinical testing. Allele origin: germline.
Comment: The p.L1047I variant (also known as c.3139C>A), located in coding exon 18 of the PTCH1 gene, results from a C to A substitution at nucleotide position 3139. The leucine at codon 1047 is replaced by isoleucine, an amino acid with highly similar properties. This amino acid position is conserved. In addition, the in silico prediction for this alteration is inconclusive. Since supporting evidence is limited at this time, the clinical significance of this alteration remains unclear.

Labcorp Genetics (formerly Invitae), Labcorp
Classification: Uncertain significance for Gorlin syndrome. Last evaluated: 2020-04-30. Review status: criteria provided, single submitter. Criteria: Invitae Variant Classification Sherloc (09022015). Collection method: clinical testing. Allele origin: germline.
Comment: This variant has not been reported in the literature in individuals with PTCH1-related conditions. This variant is not present in population databases (ExAC no frequency). This sequence change replaces leucine with isoleucine at codon 1047 of the PTCH1 protein (p.Leu1047Ile). The leucine residue is highly conserved and there is a small physicochemical difference between leucine and isoleucine. In summary, the available evidence is currently insufficient to determine the role of this variant in disease. Therefore, it has been classified as a Variant of Uncertain Significance. Algorithms developed to predict the effect of missense changes on protein structure and function are either unavailable or do not agree on the potential impact of this missense change (SIFT: "Deleterious"; PolyPhen-2: "Probably Damaging"; Align-GVGD: "Class C0").

NM_000264.5(PTCH1):c.3139C>A (p.Leu1047Ile)

Gene: PTCH1 (patched 1; minus strand). Cytogenetic location: 9q22.32.
Variant type: single nucleotide variant.
Coding change: c.3139C>A on transcript NM_000264.5 (MANE Select); coding-DNA position 3139, C replaced by A.
Protein change: p.Leu1047Ile; replaces leucine 1047 with isoleucine.
Molecular consequence: missense variant. On other transcripts: non-coding transcript variant (1).
Genome position (GRCh38, 1-based): chr9:95,458,042, G>T on the plus strand (C>A on the coding strand, the complement: PTCH1 is on the minus strand). VCF-style: chr9-95458042-G-T. GRCh37 (hg19) VCF-style: chr9-98220324-G-T.
Other names: c.2941C>A, p.Leu981Ile (NM_001083602.3); c.3136C>A, p.Leu1046Ile (NM_001083603.3); c.2686C>A, p.Leu896Ile (NM_001083604.3, NM_001083605.3, NM_001083606.3 and 1 more transcripts); c.2983C>A, p.Leu995Ile (NM_001354918.2); short protein forms L1046I, L1047I, L896I, L981I, L995I.
Identifiers: ClinVar variation 1026853 (VCV001026853.11), dbSNP rs1053698119, ClinGen allele CA196574795.